The following is an entry in ClinVar:

NM_002485.5(NBN):c.1198G>C (p.Ala400Pro)

Gene: NBN (nibrin; minus strand). Cytogenetic location: 8q21.3.
Variant type: single nucleotide variant.
Coding change: c.1198G>C on transcript NM_002485.5 (MANE Select); coding-DNA position 1198, G replaced by C.
Protein change: p.Ala400Pro; replaces alanine 400 with proline.
Molecular consequence: missense variant.
Genome position (GRCh38, 1-based): chr8:89,955,482, C>G on the plus strand (G>C on the coding strand, the complement: NBN is on the minus strand). VCF-style: chr8-89955482-C-G. GRCh37 (hg19) VCF-style: chr8-90967710-C-G.
Other names: c.952G>C, p.Ala318Pro (NM_001024688.3); short protein forms A400P, A318P.
Identifiers: ClinVar variation 530721 (VCV000530721.8), dbSNP rs551602980, ClinGen allele CA371656374.

ClinVar aggregate classification (germline): Uncertain significance (1 of 4 stars; one submission).

Conditions:
Microcephaly, normal intelligence and immunodeficiency (NBS). Also called: Immunodeficiency, microcephaly with normal intelligence; Ataxia telangiectasia variant V1; IMMUNODEFICIENCY, MICROCEPHALY, AND CHROMOSOMAL INSTABILITY; BERLIN BREAKAGE SYNDROME; SEEMANOVA SYNDROME II; Nijmegen breakage syndrome. Identifiers: Orphanet 647, MedGen C0398791, MONDO:0009623, OMIM 251260.

Submission:

Labcorp Genetics (formerly Invitae), Labcorp
Classification: Uncertain significance for Microcephaly, normal intelligence and immunodeficiency. Last evaluated: 2017-08-19. Review status: criteria provided, single submitter. Criteria: Invitae Variant Classification Sherloc (09022015). Collection method: clinical testing. Allele origin: germline.
Comment: In summary, the available evidence is currently insufficient to determine the role of this variant in disease. Therefore, it has been classified as a Variant of Uncertain Significance. Algorithms developed to predict the effect of missense changes on protein structure and function (SIFT, PolyPhen-2, Align-GVGD) all suggest that this variant is likely to be tolerated, but these predictions have not been confirmed by published functional studies and their clinical significance is uncertain. This variant has not been reported in the literature in individuals with NBN-related disease. This variant is not present in population databases (ExAC no frequency). This sequence change replaces alanine with proline at codon 400 of the NBN protein (p.Ala400Pro). The alanine residue is weakly conserved and there is a small physicochemical difference between alanine and proline.